The following is an entry in ClinVar:

NM_032043.3(BRIP1):c.902T>C (p.Leu301Ser)

Gene: BRIP1 (BRCA1 interacting DNA helicase 1; minus strand). Cytogenetic location: 17q23.2.
Variant type: single nucleotide variant.
Coding change: c.902T>C on transcript NM_032043.3 (MANE Select); coding-DNA position 902, T replaced by C.
Protein change: p.Leu301Ser; replaces leucine 301 with serine.
Molecular consequence: missense variant.
Genome position (GRCh38, 1-based): chr17:61,808,483, A>G on the plus strand (T>C on the coding strand, the complement: BRIP1 is on the minus strand). VCF-style: chr17-61808483-A-G. GRCh37 (hg19) VCF-style: chr17-59885844-A-G.
Other names: short protein forms L301S.
Identifiers: ClinVar variation 479446 (VCV000479446.14), dbSNP rs750376292, ClinGen allele CA8690838.
Genomic context (GRCh38, chr17:61,808,483, plus strand): 5'-TTTTCAGCCTTATTTTTTCTCTAACACAAAATAACTTTACTCACGTTTTTCCCATCTAGC[A>G]ATTCCATGCACTTCTCATTTCTGTTGAAGTTACCGACTACCTCAGGATGGACACAAGTAT-3'
Protein context (NP_114432.2, residues 291-311): NFNRNEKCME[Leu301Ser]LDGKNGKSCY

ClinVar aggregate classification (germline): Uncertain significance. Review status: criteria provided, multiple submitters, no conflicts (2 of 4 stars). 2 submissions from 2 submitters: Uncertain significance (2). Last evaluated 2021-07-13.

Conditions:
Hereditary cancer-predisposing syndrome. Also called: Tumor predisposition; Neoplastic Syndromes, Hereditary; Hereditary Cancer Syndrome; Hereditary neoplastic syndrome. Identifiers: Orphanet 140162, MedGen C0027672, MeSH D009386, MONDO:0015356.
Fanconi anemia complementation group J. Also called: BRIP1-Related Fanconi Anemia. Identifiers: Orphanet 84, MedGen C1836860, MONDO:0012187, OMIM 609054.
Familial cancer of breast. Also called: BREAST CANCER, FAMILIAL; Hereditary breast cancer; hereditary breast carcinoma. Identifiers: Orphanet 227535, MedGen C0346153, MONDO:0016419, OMIM 114480. Disease mechanism: loss of function.

gnomAD v4.1: 1 of 1,613,548 alleles (0.000062%); highest among the groups gnomAD compares: Non-Finnish European, 0.000085%; no homozygotes.

Submissions (2):

Labcorp Genetics (formerly Invitae), Labcorp
Classification: Uncertain significance for Familial cancer of breast; Fanconi anemia complementation group J. Last evaluated: 2021-07-13. Review status: criteria provided, single submitter. Criteria: Invitae Variant Classification Sherloc (09022015). Collection method: clinical testing. Allele origin: germline.
Comment: This sequence change replaces leucine with serine at codon 301 of the BRIP1 protein (p.Leu301Ser). The leucine residue is moderately conserved and there is a large physicochemical difference between leucine and serine. This variant is present in population databases (rs750376292, ExAC 0.001%). This variant has not been reported in the literature in individuals affected with BRIP1-related conditions. ClinVar contains an entry for this variant (Variation ID: 479446). Algorithms developed to predict the effect of missense changes on protein structure and function are either unavailable or do not agree on the potential impact of this missense change (SIFT: "Deleterious"; PolyPhen-2: "Probably Damaging"; Align-GVGD: "Class C0"). In summary, the available evidence is currently insufficient to determine the role of this variant in disease. Therefore, it has been classified as a Variant of Uncertain Significance.

Ambry Genetics
Classification: Uncertain significance for Hereditary cancer-predisposing syndrome. Last evaluated: 2016-09-28. Review status: criteria provided, single submitter. Criteria: Ambry Variant Classification Scheme 2023. Collection method: clinical testing. Allele origin: germline.
Comment: The p.L301S variant (also known as c.902T>C), located in coding exon 6 of the BRIP1 gene, results from a T to C substitution at nucleotide position 902. The leucine at codon 301 is replaced by serine, an amino acid with dissimilar properties. This variant was not reported in population based cohorts in the following databases: Database of Single Nucleotide Polymorphisms (dbSNP), NHLBI Exome Sequencing Project (ESP), and 1000 Genomes Project. In the ESP, this variant was not observed in 6503 samples (13006 alleles) with coverage at this position. To date, this alteration has been detected with an allele frequency of approximately 0.001% (greater than 175000 alleles tested) in our clinical cohort. This amino acid position is not well conserved in available vertebrate species. In addition, the in silico prediction for this alteration is inconclusive. Since supporting evidence is limited at this time, the clinical significance of this alteration remains unclear.